The following is an entry in ClinVar:

ClinVar aggregate classification (germline): Uncertain significance. Review status: criteria provided, single submitter (1 of 4 stars). 2 submissions from 2 submitters: Uncertain significance (1). 1 of the submissions does not count toward it. Last evaluated 2021-09-01.

Conditions:
Decreased circulating carnitine concentration. Also called: Decreased plasma carnitine. Identifiers: MedGen C5848230, HP:0003234.
Renal carnitine transport defect (CDSP). Also called: Primary carnitine deficiency; Systemic primary carnitine deficiency; CARNITINE DEFICIENCY, SYSTEMIC, DUE TO DEFECT IN RENAL REABSORPTION OF CARNITINE; CARNITINE TRANSPORTER, PLASMA-MEMBRANE, DEFICIENCY OF; CARNITINE UPTAKE DEFECT; Systemic primary carnitine deficiency disease. Identifiers: Orphanet 158, MedGen C0342788, MONDO:0008919, OMIM 212140.

Submissions (2):

Labcorp Genetics (formerly Invitae), Labcorp
Classification: Uncertain significance for Renal carnitine transport defect. Last evaluated: 2021-09-01. Review status: criteria provided, single submitter. Criteria: Invitae Variant Classification Sherloc (09022015). Collection method: clinical testing. Allele origin: germline.
Comment: This sequence change replaces glycine with aspartic acid at codon 484 of the SLC22A5 protein (p.Gly484Asp). The glycine residue is highly conserved and there is a moderate physicochemical difference between glycine and aspartic acid. This variant is not present in population databases (ExAC no frequency). This variant has not been reported in the literature in individuals affected with SLC22A5-related conditions. Algorithms developed to predict the effect of missense changes on protein structure and function are either unavailable or do not agree on the potential impact of this missense change (SIFT: "Deleterious"; PolyPhen-2: "Benign"; Align-GVGD: "Class C0"). In summary, the available evidence is currently insufficient to determine the role of this variant in disease. Therefore, it has been classified as a Variant of Uncertain Significance.

Natera, Inc.
Classification: Uncertain significance for Carnitine deficiency. Last evaluated: 2020-09-30. Review status: no assertion criteria provided. Collection method: clinical testing. Allele origin: germline. Not counted in ClinVar's aggregate classification.

NM_003060.4(SLC22A5):c.1451G>A (p.Gly484Asp)

Gene: SLC22A5 (solute carrier family 22 member 5; plus strand). Cytogenetic location: 5q31.1.
Variant type: single nucleotide variant.
Coding change: c.1451G>A on transcript NM_003060.4 (MANE Select); coding-DNA position 1451, G replaced by A.
Protein change: p.Gly484Asp; replaces glycine 484 with aspartic acid.
Molecular consequence: missense variant.
Genome position (GRCh38, 1-based): chr5:132,393,676, G>A. VCF-style: chr5-132393676-G-A. GRCh37 (hg19) VCF-style: chr5-131729368-G-A.
Other names: c.1523G>A, p.Gly508Asp (NM_001308122.2); short protein forms G484D, G508D.
Identifiers: ClinVar variation 1010620 (VCV001010620.10), dbSNP rs28383480, ClinGen allele CA360809546.